The following is an entry in ClinVar:

NM_145038.5(DRC1):c.1195_1196inv (p.Trp399Gln)

Gene: DRC1 (dynein regulatory complex subunit 1; plus strand). Cytogenetic location: 2p23.3.
Variant type: Inversion.
Coding change: c.1195_1196inv on transcript NM_145038.5 (MANE Select).
Protein change: p.Trp399Gln; replaces tryptophan 399 with glutamine.
Molecular consequence: missense variant.
Genome position: GRCh38 VCF-style: chr2-26444747-TG-CA. GRCh37 (hg19) VCF-style: chr2-26667615-TG-CA.
Other names: short protein forms W399Q.
Identifiers: ClinVar variation 1389360 (VCV001389360.5), ClinGen allele CA2573134485.

ClinVar aggregate classification (germline): Uncertain significance (1 of 4 stars; one submission).

Conditions:
Primary ciliary dyskinesia. Also called: Ciliary dyskinesia. Identifiers: Orphanet 244, MedGen C0008780, MONDO:0016575, HP:0012265.

Submission:

Labcorp Genetics (formerly Invitae), Labcorp
Classification: Uncertain significance for Primary ciliary dyskinesia. Last evaluated: 2022-11-01. Review status: criteria provided, single submitter. Criteria: Invitae Variant Classification Sherloc (09022015). Collection method: clinical testing. Allele origin: germline.
Comment: This sequence change replaces tryptophan, which is neutral and slightly polar, with glutamine, which is neutral and polar, at codon 399 of the DRC1 protein (p.Trp399Gln). The frequency data for this variant in the population databases is considered unreliable, as metrics indicate poor data quality at this position in the gnomAD database. This variant has not been reported in the literature in individuals affected with DRC1-related conditions. ClinVar contains an entry for this variant (Variation ID: 1389360). Experimental studies and prediction algorithms are not available or were not evaluated, and the functional significance of this variant is currently unknown. In summary, the available evidence is currently insufficient to determine the role of this variant in disease. Therefore, it has been classified as a Variant of Uncertain Significance.